The following is an entry in ClinVar:

NM_007194.4(CHEK2):c.1358C>G (p.Ala453Gly)

Gene: CHEK2 (checkpoint kinase 2; minus strand). Cytogenetic location: 22q12.1.
Variant type: single nucleotide variant.
Coding change: c.1358C>G on transcript NM_007194.4 (MANE Select); coding-DNA position 1358, C replaced by G.
Protein change: p.Ala453Gly; replaces alanine 453 with glycine.
Molecular consequence: missense variant.
Genome position (GRCh38, 1-based): chr22:28,695,144, G>C on the plus strand (C>G on the coding strand, the complement: CHEK2 is on the minus strand). VCF-style: chr22-28695144-G-C. GRCh37 (hg19) VCF-style: chr22-29091132-G-C.
Other names: c.1487C>G, p.Ala496Gly (NM_001005735.3); c.695C>G, p.Ala232Gly (NM_001257387.3); c.1157C>G, p.Ala386Gly (NM_001349956.3); c.1271C>G, p.Ala424Gly (NM_145862.3); short protein forms A496G, A453G, A232G, A386G, A424G.
Identifiers: ClinVar variation 1770736 (VCV001770736.2), dbSNP rs2517795303, ClinGen allele CA411095505.

ClinVar aggregate classification (germline): Uncertain significance (1 of 4 stars; one submission).

Conditions:
Hereditary cancer-predisposing syndrome. Also called: Hereditary Cancer Syndrome; Hereditary neoplastic syndrome; Neoplastic Syndromes, Hereditary; Tumor predisposition. Identifiers: Orphanet 140162, MedGen C0027672, MeSH D009386, MONDO:0015356.

Submission:

Ambry Genetics
Classification: Uncertain significance for Hereditary cancer-predisposing syndrome. Last evaluated: 2021-07-19. Review status: criteria provided, single submitter. Criteria: Ambry Variant Classification Scheme 2023. Collection method: clinical testing. Allele origin: germline.
Comment: The p.A453G variant (also known as c.1358C>G), located in coding exon 11 of the CHEK2 gene, results from a C to G substitution at nucleotide position 1358. The alanine at codon 453 is replaced by glycine, an amino acid with similar properties. This amino acid position is conserved. In addition, this alteration is predicted to be tolerated by in silico analysis. Since supporting evidence is limited at this time, the clinical significance of this alteration remains unclear.